The following is an entry in ClinVar:

NM_006267.5(RANBP2):c.4085C>T (p.Ser1362Leu)

Gene: RANBP2 (RAN binding protein 2; plus strand). Cytogenetic location: 2q13.
Variant type: single nucleotide variant.
Coding change: c.4085C>T on transcript NM_006267.5 (MANE Select); coding-DNA position 4085, C replaced by T.
Protein change: p.Ser1362Leu; replaces serine 1362 with leucine.
Molecular consequence: missense variant.
Genome position (GRCh38, 1-based): chr2:108,764,624, C>T. VCF-style: chr2-108764624-C-T. GRCh37 (hg19) VCF-style: chr2-109381080-C-T.
Other names: c.4085C>T, p.Ser1362Leu (NM_001415871.1, NM_001415873.1); c.4082C>T, p.Ser1361Leu (NM_001415872.1); short protein forms S1361L, S1362L.
Identifiers: ClinVar variation 4085615 (VCV004085615.8).
Genomic context (GRCh38, chr2:108,764,624, plus strand): 5'-TGAATTTTGAATTTCAGGTTGCAAAGAAAGAAGGGTCTTGGTGGCATTGTAACAGCTGCT[C>T]ATTAAAGAATGCTTCAACTGCTAAGAAATGTGTATCATGCCAAAATCTAAACCCAAGCAA-3'
Protein context (NP_006258.3, residues 1352-1372): EGSWWHCNSC[Ser1362Leu]LKNASTAKKC

ClinVar aggregate classification (germline): Uncertain significance (1 of 4 stars; one submission).

gnomAD v4.1: 3 of 1,613,926 alleles (0.00019%); highest among the groups gnomAD compares: South Asian, 0.0033%; no homozygotes.

Submission:

CeGaT Center for Human Genetics Tuebingen
Classification: Uncertain significance. Last evaluated: 2025-08-01. Review status: criteria provided, single submitter. Criteria: CeGaT Center For Human Genetics Tuebingen Variant Classification Criteria Version 2. Collection method: clinical testing. Allele origin: germline. Affected: yes. Observed: 1 variant allele.
Comment: RANBP2: PM2, BP4